The following is an entry in ClinVar:

ClinVar aggregate classification (germline): Likely benign (1 of 4 stars; one submission).

Conditions:
IFT74-related disorder. Also called: IFT74-Related Disorders; IFT74-related condition.

gnomAD v4.1: 5 of 1,509,346 alleles (0.00033%); highest among the groups gnomAD compares: Admixed American, 0.011%; no homozygotes.

Submission:

PreventionGenetics, part of Exact Sciences
Classification: Likely benign for IFT74-related condition. Last evaluated: 2025-10-20. Review status: criteria provided, single submitter. Criteria: ACMG Guidelines, 2015. Collection method: clinical testing. Allele origin: germline.
Comment: This variant is classified as likely benign based on ACMG/AMP sequence variant interpretation guidelines (Richards et al. 2015 PMID: 25741868, with internal and published modifications).

NM_025103.4(IFT74):c.306-32T>C

Gene: IFT74 (intraflagellar transport 74; plus strand). Cytogenetic location: 9p21.2.
Variant type: single nucleotide variant.
Coding change: c.306-32T>C on transcript NM_025103.4 (MANE Select); 32 bases into the intron before coding-DNA position 306, T replaced by C.
Molecular consequence: intron variant.
Genome position (GRCh38, 1-based): chr9:26,984,225, T>C. VCF-style: chr9-26984225-T-C. GRCh37 (hg19) VCF-style: chr9-26984223-T-C.
Other names: c.306-32T>C (NM_001099223.3, NM_001099222.3, NM_001349928.2 and 1 more transcripts).
Identifiers: ClinVar variation 4979505 (VCV004979505.1).
Genomic context (GRCh38, chr9:26,984,225, plus strand): 5'-ATTATTACGTATTAATGGAAAGTTTAAATTTTGCTTAACTAGAGTTTTCTGGATTAAAAG[T>C]ATTGCTGACATTCTTATTTCTTTTCTAATAGAAGTAAAATAAGTGAACTTACAACTGAAG-3'